The following is an entry in ClinVar:

NM_003998.4(NFKB1):c.1753-8C>G

Gene: NFKB1 (nuclear factor kappa B subunit 1; plus strand). Cytogenetic location: 4q24.
Variant type: single nucleotide variant.
Coding change: c.1753-8C>G on transcript NM_003998.4 (MANE Select); 8 bases into the intron before coding-DNA position 1753, C replaced by G.
Molecular consequence: intron variant.
Genome position (GRCh38, 1-based): chr4:102,606,488, C>G. VCF-style: chr4-102606488-C-G. GRCh37 (hg19) VCF-style: chr4-103527645-C-G.
Other names: c.1753-8C>G (NM_001382626.1, NM_001382625.1); c.1750-8C>G (NM_001382627.1, NM_001165412.2, NM_001319226.2); c.1711-8C>G (NM_001382628.1).
Identifiers: ClinVar variation 1001731 (VCV001001731.5), dbSNP rs1727740338, ClinGen allele CA1481451105.

ClinVar aggregate classification (germline): Uncertain significance (1 of 4 stars; one submission).

Submission:

Labcorp Genetics (formerly Invitae), Labcorp
Classification: Uncertain significance. Last evaluated: 2020-10-24. Review status: criteria provided, single submitter. Criteria: Invitae Variant Classification Sherloc (09022015). Collection method: clinical testing. Allele origin: germline.
Comment: In summary, the available evidence is currently insufficient to determine the role of this variant in disease. Therefore, it has been classified as a Variant of Uncertain Significance. Algorithms developed to predict the effect of sequence changes on RNA splicing suggest that this variant may disrupt the consensus splice site, but this prediction has not been confirmed by published transcriptional studies. This variant has not been reported in the literature in individuals with NFKB1-related conditions. This variant is not present in population databases (ExAC no frequency). This sequence change falls in intron 16 of the NFKB1 gene. It does not directly change the encoded amino acid sequence of the NFKB1 protein.